The following is an entry in ClinVar:

ClinVar aggregate classification (germline): Uncertain significance (1 of 4 stars; one submission).

Allele frequency attached by ClinVar (database versions not stated): gnomAD exomes below 0.00001.
gnomAD v4.1: 2 of 1,613,326 alleles (0.00012%); highest among the groups gnomAD compares: Non-Finnish European, 0.00017%; no homozygotes.

Submission:

GeneDx
Classification: Uncertain significance. Last evaluated: 2019-08-16. Review status: criteria provided, single submitter. Criteria: GeneDx Variant Classification Process June 2021. Collection method: clinical testing. Allele origin: germline. Affected: yes.
Comment: Not observed at a significant frequency in large population cohorts (Lek et al., 2016); In silico analysis, which includes protein predictors and evolutionary conservation, supports that this variant does not alter protein structure/function; Has not been previously published as pathogenic or benign to our knowledge

NM_033305.3(VPS13A):c.6829G>A (p.Val2277Ile)

Gene: VPS13A (vacuolar protein sorting 13 homolog A; plus strand). Cytogenetic location: 9q21.2.
Variant type: single nucleotide variant.
Coding change: c.6829G>A on transcript NM_033305.3 (MANE Select); coding-DNA position 6829, G replaced by A.
Protein change: p.Val2277Ile; replaces valine 2277 with isoleucine.
Molecular consequence: missense variant.
Genome position (GRCh38, 1-based): chr9:77,340,232, G>A. VCF-style: chr9-77340232-G-A. GRCh37 (hg19) VCF-style: chr9-79955148-G-A.
Other names: c.6712G>A, p.Val2238Ile (NM_001018037.2); c.6829G>A, p.Val2277Ile (NM_001018038.3, NM_015186.4); short protein forms V2238I, V2277I.
Identifiers: ClinVar variation 1307885 (VCV001307885.2), dbSNP rs1247708553, ClinGen allele CA373851717.